The following is an entry in ClinVar:

NM_000520.6(HEXA):c.962G>A (p.Gly321Glu)

Gene: HEXA (hexosaminidase subunit alpha; minus strand). Cytogenetic location: 15q23.
Variant type: single nucleotide variant.
Coding change: c.962G>A on transcript NM_000520.6 (MANE Select); coding-DNA position 962, G replaced by A.
Protein change: p.Gly321Glu; replaces glycine 321 with glutamic acid.
Molecular consequence: missense variant. On other transcripts: non-coding transcript variant (1).
Genome position (GRCh38, 1-based): chr15:72,349,103, C>T on the plus strand (G>A on the coding strand, the complement: HEXA is on the minus strand). VCF-style: chr15-72349103-C-T. GRCh37 (hg19) VCF-style: chr15-72641444-C-T.
Other names: c.995G>A, p.Gly332Glu (NM_001318825.2); short protein forms G321E, G332E.
Identifiers: ClinVar variation 992197 (VCV000992197.8), dbSNP rs1316178162, ClinGen allele CA393062195.

ClinVar aggregate classification (germline): Conflicting classifications of pathogenicity. Review status: criteria provided, conflicting classifications (1 of 4 stars). 3 submissions from 3 submitters: Likely pathogenic (2); Uncertain significance (1). Last evaluated 2026-08-06.

Conditions:
Tay-Sachs disease (TSD). Also called: GM2 gangliosidosis, type 1; Hexosaminidase alpha-subunit deficiency (variant B); Sphingolipidosis, Tay-Sachs; Hexosaminidase A Deficiency; HEXA DEFICIENCY; HEXA Disorders. Identifiers: Orphanet 845, MedGen C0039373, MONDO:0010100, OMIM 272800.

Allele frequency attached by ClinVar (database versions not stated): gnomAD exomes below 0.00001.
gnomAD v4.1: 1 of 1,613,842 alleles (0.000062%); highest among the groups gnomAD compares: Non-Finnish European, 0.000085%; no homozygotes.

Submissions (3):

OLLIN Analises Genomicas, OLLIN
Classification: Likely pathogenic for Tay-Sachs disease. Last evaluated: 2026-08-06. Review status: criteria provided, single submitter. Criteria: ACMG Guidelines 2015 PMID 25741868. Collection method: clinical testing. Allele origin: germline.
Comment: This missense variant, located in exon 8 (of 14), has been reported in ClinVar (accession VCV000992197.7) and in gnomAD with an allele frequency of 0.000062%. However, to our knowledge, it has not been reported in the scientific literature. In silico analysis predicts that this variant has a deleterious effect. This variant is located in a region considered to be a mutational hotspot. This gene is constrained for missense variation. According to the currently available evidence, this variant has been classified as likely pathogenic (PM1, PM2_P, PP2, PP3_S).

Women's Health and Genetics/Laboratory Corporation of America, LabCorp
Classification: Uncertain significance. Last evaluated: 2025-06-26. Review status: criteria provided, single submitter. Criteria: LabCorp Variant Classification Summary - May 2015. Collection method: clinical testing. Allele origin: germline.
Comment: Variant summary: HEXA c.962G>A (p.Gly321Glu) results in a non-conservative amino acid change located in the Glycoside hydrolase family 20, catalytic domain (IPR015883) of the encoded protein sequence. Algorithms developed to predict the effect of missense changes on protein structure and function all suggest that this variant is likely to be disruptive. The variant allele was found at a frequency of 4e-06 in 251400 control chromosomes. The available data on variant occurrences in the general population are insufficient to allow any conclusion about variant significance. c.962G>A has been observed in at least one individual affected with Tay-Sachs Disease (Internal data). These data do not allow any conclusion about variant significance. To our knowledge, no experimental evidence demonstrating an impact on protein function has been reported. ClinVar contains an entry for this variant (Variation ID: 992197). Based on the evidence outlined above, the variant was classified as uncertain significance.

Labcorp Genetics (formerly Invitae), Labcorp
Classification: Likely pathogenic for Tay-Sachs disease. Last evaluated: 2024-07-01. Review status: criteria provided, single submitter. Criteria: Invitae Variant Classification Sherloc (09022015). Collection method: clinical testing. Allele origin: germline.
Comment: This sequence change replaces glycine, which is neutral and non-polar, with glutamic acid, which is acidic and polar, at codon 321 of the HEXA protein (p.Gly321Glu). This variant is present in population databases (no rsID available, gnomAD 0.0009%). This missense change has been observed in individual(s) with Tay-Sachs disease (Invitae). ClinVar contains an entry for this variant (Variation ID: 992197). Advanced modeling of protein sequence and biophysical properties (such as structural, functional, and spatial information, amino acid conservation, physicochemical variation, residue mobility, and thermodynamic stability) performed at Invitae indicates that this missense variant is expected to disrupt HEXA protein function with a positive predictive value of 95%. In summary, the currently available evidence indicates that the variant is pathogenic, but additional data are needed to prove that conclusively. Therefore, this variant has been classified as Likely Pathogenic.

Literature cited by the submitters: PubMed 16698036 (cited by Women's Health and Genetics/Laboratory Corporation of America, LabCorp).